The following is an entry in ClinVar:

NM_000552.5(VWF):c.2880G>A (p.Arg960=)

Gene: VWF (von Willebrand factor; minus strand). Cytogenetic location: 12p13.31.
Variant type: single nucleotide variant.
Coding change: c.2880G>A on transcript NM_000552.5 (MANE Select); coding-DNA position 2880, G replaced by A.
Protein change: p.Arg960=; no amino-acid change (arginine 960 retained).
Molecular consequence: synonymous variant.
Genome position (GRCh38, 1-based): chr12:6,029,429, C>T on the plus strand (G>A on the coding strand, the complement: VWF is on the minus strand). VCF-style: chr12-6029429-C-T. GRCh37 (hg19) VCF-style: chr12-6138595-C-T.
Other names: p.Arg960=; c.2880G>A (NM_000552.4).
Identifiers: ClinVar variation 195657 (VCV000195657.18), dbSNP rs1800380, ClinGen allele CA201877.

ClinVar aggregate classification (germline): Benign/Likely benign. Review status: criteria provided, multiple submitters, no conflicts (2 of 4 stars). 11 submissions from 9 submitters: Benign (8); Likely benign (2). 1 of the submissions does not count toward it. Last evaluated 2026-05-12.

Conditions:
von Willebrand disease type 2 (VWD2). Also called: VON WILLEBRAND DISEASE, TYPE II; VON WILLEBRAND DISEASE, TYPE 2A/IIE; VON WILLEBRAND DISEASE, TYPE 2CB; VWD, TYPE 2. Identifiers: Orphanet 166081, Orphanet 903, MedGen C1264040, MONDO:0013304, OMIM 613554.
von Willebrand disease type 3 (VWD3). Also called: Type 3 Von Willebrand's disease; Type 3 VWD; Von Willebrand disease, severe form; V WD3; VON WILLEBRAND DISEASE, TYPE III. Identifiers: Orphanet 166096, MedGen C1264041, MONDO:0010191, OMIM 277480.
von Willebrand disease type 1 (VWD1). Also called: VON WILLEBRAND DISEASE, TYPE I; VWD, TYPE 1. Identifiers: Orphanet 166078, Orphanet 903, MedGen C1264039, MONDO:0008668, OMIM 193400. Inheritance: autosomal recessive or autosomal dominant.

Allele frequency attached by ClinVar (database versions not stated): 1000 Genomes Project 0.17911; 1000 Genomes Project 30x 0.18254; gnomAD exomes 0.20373 and 0.23979; ExAC 0.20805; gnomAD 0.24976 and 0.25897; TOPMed 0.25046; ESP Exome Variant Server 0.27180.
gnomAD v4.1: 388,135 of 1,613,814 alleles (24%); highest among the groups gnomAD compares: African/African-American, 32%; 49,878 homozygotes.

Submissions (11):

Women's Health and Genetics/Laboratory Corporation of America, LabCorp
Classification: Benign. Last evaluated: 2026-05-12. Review status: criteria provided, single submitter. Criteria: LabCorp Variant Classification Summary - May 2015. Collection method: clinical testing. Allele origin: germline.

Blueprint Genetics
Classification: Likely benign. Last evaluated: 2024-11-27. Review status: criteria provided, single submitter. Criteria: ACMG Guidelines, 2015. Collection method: clinical testing. Allele origin: germline.

Genome-Nilou Lab
Classification: Benign for von Willebrand disease type 1. Last evaluated: 2021-12-05. Review status: criteria provided, single submitter. Criteria: ACMG Guidelines, 2015. Collection method: clinical testing. Allele origin: germline. Affected: no.

Genome-Nilou Lab
Classification: Benign for von Willebrand disease type 3. Last evaluated: 2021-12-05. Review status: criteria provided, single submitter. Criteria: ACMG Guidelines, 2015. Collection method: clinical testing. Allele origin: germline. Affected: no.

Genome-Nilou Lab
Classification: Benign for von Willebrand disease type 2. Last evaluated: 2021-12-05. Review status: criteria provided, single submitter. Criteria: ACMG Guidelines, 2015. Collection method: clinical testing. Allele origin: germline. Affected: no.

GeneDx
Classification: Benign. Last evaluated: 2018-08-29. Review status: criteria provided, single submitter. Criteria: GeneDx Variant Classification Process June 2021. Collection method: clinical testing. Allele origin: germline. Affected: yes.

Mayo Clinic Laboratories, Mayo Clinic
Classification: Benign. Last evaluated: 2016-05-26. Review status: criteria provided, single submitter. Criteria: ACMG Guidelines, 2015. Collection method: clinical testing. Allele origin: germline. Observed: 297 variant alleles.

Eurofins Ntd Llc (ga)
Classification: Benign. Last evaluated: 2014-09-29. Review status: criteria provided, single submitter. Criteria: EGL Classification Definitions 2015. Collection method: clinical testing. Allele origin: germline.

Breakthrough Genomics
Classification: Likely benign. Review status: criteria provided, single submitter. Criteria: ACMG Guidelines, 2015. Collection method: not provided. Allele origin: germline. Inheritance: Autosomal recessive inheritance. Affected: yes.

PreventionGenetics, part of Exact Sciences
Classification: Benign. Review status: criteria provided, single submitter. Criteria: ACMG Guidelines, 2015. Collection method: clinical testing. Allele origin: germline.

Department of Pathology and Laboratory Medicine, Sinai Health System
Classification: Uncertain significance. Review status: no assertion criteria provided. Collection method: clinical testing. Allele origin: unknown. Affected: yes. Study: The Canadian Open Genetics Repository (COGR). Not counted in ClinVar's aggregate classification.
Comment: Allele frequency is common in at least one population database (frequency: 32.021% in gnomAD_Exomes) based on the frequency threshold of 0.5% for this gene. Variant was observed in a homozygous state in population databases more than expected for disease. A synonymous variant not located in a splice region.